The following is an entry in ClinVar:

NM_015404.4(WHRN):c.2586C>A (p.His862Gln)

Gene: WHRN (whirlin; minus strand). Cytogenetic location: 9q32.
Variant type: single nucleotide variant.
Coding change: c.2586C>A on transcript NM_015404.4 (MANE Select); coding-DNA position 2586, C replaced by A.
Protein change: p.His862Gln; replaces histidine 862 with glutamine.
Molecular consequence: missense variant.
Genome position (GRCh38, 1-based): chr9:114,402,892, G>T on the plus strand (C>A on the coding strand, the complement: WHRN is on the minus strand). VCF-style: chr9-114402892-G-T. GRCh37 (hg19) VCF-style: chr9-117165172-G-T.
Other names: c.1437C>A, p.His479Gln (NM_001083885.3); c.2583C>A, p.His861Gln (NM_001173425.2); c.1533C>A, p.His511Gln (NM_001346890.1); short protein forms H862Q, H511Q, H479Q, H861Q.
Identifiers: ClinVar variation 45676 (VCV000045676.23), dbSNP rs117592152, ClinGen allele CA136920.

ClinVar aggregate classification (germline): Benign/Likely benign. Review status: criteria provided, multiple submitters, no conflicts (2 of 4 stars). 7 submissions from 6 submitters: Benign (6); Likely benign (1). Last evaluated 2026-02-02.

Conditions:
Usher syndrome type 2D. Also called: USHER SYNDROME, TYPE IID. Identifiers: Orphanet 231178, Orphanet 886, MedGen C1568249, MONDO:0012662, OMIM 611383.
Autosomal recessive nonsyndromic hearing loss 31. Also called: WHIRLER, MOUSE, HOMOLOG OF. Identifiers: Orphanet 90636, MedGen C1846839, MONDO:0011767, OMIM 607084.

Allele frequency attached by ClinVar (database versions not stated): 1000 Genomes Project 30x 0.01593; ESP Exome Variant Server 0.00023; gnomAD 0.00424; TOPMed 0.00561; 1000 Genomes Project 0.01677.
gnomAD v4.1: 3,545 of 1,613,778 alleles (0.22%); highest among the groups gnomAD compares: East Asian, 6.4%; 160 homozygotes.

Submissions (7):

Labcorp Genetics (formerly Invitae), Labcorp
Classification: Benign. Last evaluated: 2026-02-02. Review status: criteria provided, single submitter. Criteria: Invitae Variant Classification Sherloc (09022015). Collection method: clinical testing. Allele origin: germline.

Mayo Clinic Laboratories, Mayo Clinic
Classification: Benign. Last evaluated: 2022-04-17. Review status: criteria provided, single submitter. Criteria: ACMG Guidelines, 2015. Collection method: clinical testing. Allele origin: germline. Observed: 3 variant alleles.

Illumina Laboratory Services, Illumina
Classification: Likely benign for Autosomal recessive nonsyndromic hearing loss 31. Last evaluated: 2018-01-12. Review status: criteria provided, single submitter. Criteria: ICSL Variant Classification Criteria 13 December 2019. Collection method: clinical testing. Allele origin: germline.
Comment: This variant was observed in the ICSL laboratory as part of a predisposition screen in an ostensibly healthy population. It had not been previously curated by ICSL or reported in the Human Gene Mutation Database (HGMD: prior to June 1st, 2018), and was therefore a candidate for classification through an automated scoring system. Utilizing variant allele frequency, disease prevalence and penetrance estimates, and inheritance mode, an automated score was calculated to assess if this variant is too frequent to cause the disease. Based on the score and internal cut-off values, a variant classified as likely benign is not then subjected to further curation. The score for this variant resulted in a classification of likely benign for this disease.

Illumina Laboratory Services, Illumina
Classification: Benign for Usher syndrome type 2D. Last evaluated: 2018-01-12. Review status: criteria provided, single submitter. Criteria: ICSL Variant Classification Criteria 13 December 2019. Collection method: clinical testing. Allele origin: germline.
Comment: This variant was observed in the ICSL laboratory as part of a predisposition screen in an ostensibly healthy population. It had not been previously curated by ICSL or reported in the Human Gene Mutation Database (HGMD: prior to June 1st, 2018), and was therefore a candidate for classification through an automated scoring system. Utilizing variant allele frequency, disease prevalence and penetrance estimates, and inheritance mode, an automated score was calculated to assess if this variant is too frequent to cause the disease. Based on the score and internal cut-off values, a variant classified as benign is not then subjected to further curation. The score for this variant resulted in a classification of benign for this disease.

GeneDx
Classification: Benign. Last evaluated: 2017-08-03. Review status: criteria provided, single submitter. Criteria: GeneDx Variant Classification (06012015). Collection method: clinical testing. Allele origin: germline. Affected: yes.
Comment: This variant is considered likely benign or benign based on one or more of the following criteria: it is a conservative change, it occurs at a poorly conserved position in the protein, it is predicted to be benign by multiple in silico algorithms, and/or has population frequency not consistent with disease.

Eurofins Ntd Llc (ga)
Classification: Benign. Last evaluated: 2014-01-30. Review status: criteria provided, single submitter. Criteria: EGL Classification Definitions 2015. Collection method: clinical testing. Allele origin: germline. Observed: 2 variant alleles, 2 homozygotes.

Laboratory for Molecular Medicine, Mass General Brigham Personalized Medicine
Classification: Benign. Last evaluated: 2012-05-14. Review status: criteria provided, single submitter. Criteria: LMM Criteria. Collection method: clinical testing. Allele origin: germline. Observed: 14 variant alleles.
Comment: His862Gln in Exon 12 of DFNB31: This variant is not expected to have clinical si gnificance because it has been identified in 6.7% (8/120) of chromosomes from a population in the dbSNP database (rs11 7592152).